The following is an entry in ClinVar:

NM_000059.4(BRCA2):c.9113T>C (p.Leu3038Pro)

Gene: BRCA2 (BRCA2 DNA repair associated; plus strand). Cytogenetic location: 13q13.1.
Variant type: single nucleotide variant.
Coding change: c.9113T>C on transcript NM_000059.4 (MANE Select); coding-DNA position 9113, T replaced by C.
Protein change: p.Leu3038Pro; replaces leucine 3038 with proline.
Molecular consequence: missense variant.
Genome position (GRCh38, 1-based): chr13:32,379,909, T>C. VCF-style: chr13-32379909-T-C. GRCh37 (hg19) VCF-style: chr13-32954046-T-C.
Other names: short protein forms L3038P.
Identifiers: ClinVar variation 823027 (VCV000823027.13), dbSNP rs1219194595, ClinGen allele CA387757746.

ClinVar aggregate classification (germline): Uncertain significance. Review status: criteria provided, multiple submitters, no conflicts (2 of 4 stars). 2 submissions from 2 submitters: Uncertain significance (2). Last evaluated 2024-11-11.

Conditions:
Hereditary cancer-predisposing syndrome. Also called: Tumor predisposition; Hereditary Cancer Syndrome; Neoplastic Syndromes, Hereditary; Hereditary neoplastic syndrome. Identifiers: Orphanet 140162, MedGen C0027672, MeSH D009386, MONDO:0015356.
Hereditary breast ovarian cancer syndrome. Also called: Hereditary breast and ovarian cancer; Breast and ovarian cancer; Hereditary breast and/or ovarian cancer syndrome; Hereditary breast and ovarian cancer syndrome; BRCA1- and BRCA2-Associated Hereditary Breast and Ovarian Cancer; Hereditary breast and ovarian cancer syndrome (HBOC). Identifiers: Orphanet 145, MedGen C0677776, MeSH D061325, MONDO:0003582. Disease mechanism: loss of function.

Submissions (2):

Ambry Genetics
Classification: Uncertain significance for Hereditary cancer-predisposing syndrome. Last evaluated: 2024-11-11. Review status: criteria provided, single submitter. Criteria: Ambry Variant Classification Scheme 2023. Collection method: clinical testing. Allele origin: germline.
Comment: The p.L3038P variant (also known as c.9113T>C), located in coding exon 22 of the BRCA2 gene, results from a T to C substitution at nucleotide position 9113. The leucine at codon 3038 is replaced by proline, an amino acid with similar properties. This amino acid position is well conserved in available vertebrate species. In addition, this alteration is predicted to be deleterious by in silico analysis. Based on the available evidence, the clinical significance of this variant remains unclear.

Labcorp Genetics (formerly Invitae), Labcorp
Classification: Uncertain significance for Hereditary breast ovarian cancer syndrome. Last evaluated: 2024-09-10. Review status: criteria provided, single submitter. Criteria: Invitae Variant Classification Sherloc (09022015). Collection method: clinical testing. Allele origin: germline.
Comment: This sequence change replaces leucine, which is neutral and non-polar, with proline, which is neutral and non-polar, at codon 3038 of the BRCA2 protein (p.Leu3038Pro). This variant is not present in population databases (gnomAD no frequency). This variant has not been reported in the literature in individuals affected with BRCA2-related conditions. ClinVar contains an entry for this variant (Variation ID: 823027). Invitae Evidence Modeling of protein sequence and biophysical properties (such as structural, functional, and spatial information, amino acid conservation, physicochemical variation, residue mobility, and thermodynamic stability) indicates that this missense variant is not expected to disrupt BRCA2 protein function with a negative predictive value of 95%. In summary, the available evidence is currently insufficient to determine the role of this variant in disease. Therefore, it has been classified as a Variant of Uncertain Significance.